The following is an entry in ClinVar:

ClinVar aggregate classification (germline): Likely benign (1 of 4 stars; one submission).

Conditions:
H19-related disorder. Also called: H19-related condition.

Submission:

PreventionGenetics, part of Exact Sciences
Classification: Likely benign for H19-related condition. Last evaluated: 2025-04-23. Review status: criteria provided, single submitter. Criteria: ACMG Guidelines, 2015. Collection method: clinical testing. Allele origin: germline.
Comment: This variant is classified as likely benign based on ACMG/AMP sequence variant interpretation guidelines (Richards et al. 2015 PMID: 25741868, with internal and published modifications).

NR_002196.3(H19):n.349G>A

Genes: H19 (H19 imprinted maternally expressed transcript; minus strand), MRPL23 (mitochondrial ribosomal protein L23; plus strand). Cytogenetic location: 11p15.5.
Variant type: single nucleotide variant.
Molecular consequence: non-coding transcript variant (on NR_002196.3). On other transcripts: intron variant (1).
Genome position: GRCh38 VCF-style: chr11-1997494-C-T. GRCh37 (hg19) VCF-style: chr11-2018724-C-T.
Other names: c.498-14047C>T (NM_001400176.1).
Identifiers: ClinVar variation 4981272 (VCV004981272.1).